The following is an entry in ClinVar:

NM_000264.5(PTCH1):c.1929T>C (p.Pro643=)

Genes: PTCH1 (patched 1; minus strand), LOC100507346 (uncharacterized LOC100507346; plus strand). Cytogenetic location: 9q22.32.
Variant type: single nucleotide variant.
Coding change: c.1929T>C on transcript NM_000264.5 (MANE Select); coding-DNA position 1929, T replaced by C.
Protein change: p.Pro643=; no amino-acid change (proline 643 retained).
Molecular consequence: synonymous variant. On other transcripts: non-coding transcript variant (2).
Genome position (GRCh38, 1-based): chr9:95,469,072, A>G on the plus strand (T>C on the coding strand, the complement: PTCH1 is on the minus strand). VCF-style: chr9-95469072-A-G. GRCh37 (hg19) VCF-style: chr9-98231354-A-G.
Other names: c.1731T>C, p.Pro577= (NM_001083602.3); c.1926T>C, p.Pro642= (NM_001083603.3); c.1476T>C, p.Pro492= (NM_001083604.3, NM_001083605.3, NM_001083606.3 and 1 more transcripts); c.1773T>C, p.Pro591= (NM_001354918.2).
Identifiers: ClinVar variation 4085729 (VCV004085729.8).

ClinVar aggregate classification (germline): Likely benign (1 of 4 stars; one submission).

Submission:

CeGaT Center for Human Genetics Tuebingen
Classification: Likely benign. Last evaluated: 2025-08-01. Review status: criteria provided, single submitter. Criteria: CeGaT Center For Human Genetics Tuebingen Variant Classification Criteria Version 2. Collection method: clinical testing. Allele origin: germline. Affected: yes. Observed: 1 variant allele.
Comment: PTCH1: PM2:Supporting, BP4, BP7